The following is an entry in ClinVar:

ClinVar aggregate classification (germline): Likely pathogenic (1 of 4 stars; one submission).

Allele frequency attached by ClinVar (database versions not stated): gnomAD exomes below 0.00001.

Submission:

Labcorp Genetics (formerly Invitae), Labcorp
Classification: Likely pathogenic. Last evaluated: 2023-08-18. Review status: criteria provided, single submitter. Criteria: Invitae Variant Classification Sherloc (09022015). Collection method: clinical testing. Allele origin: germline.
Comment: ClinVar contains an entry for this variant (Variation ID: 1473827). In summary, the currently available evidence indicates that the variant is pathogenic, but additional data are needed to prove that conclusively. Therefore, this variant has been classified as Likely Pathogenic. Algorithms developed to predict the effect of sequence changes on RNA splicing suggest that this variant may disrupt the consensus splice site. This variant has not been reported in the literature in individuals affected with ESCO2-related conditions. This variant is not present in population databases (gnomAD no frequency). This sequence change affects a donor splice site in intron 9 of the ESCO2 gene. It is expected to disrupt RNA splicing. Variants that disrupt the donor or acceptor splice site typically lead to a loss of protein function (PMID: 16199547), and loss-of-function variants in ESCO2 are known to be pathogenic (PMID: 15821733, 16380922).

Literature cited by the submitters: PubMed 16199547; PubMed 15821733; PubMed 16380922.

NM_001017420.3(ESCO2):c.1497+1G>T

Gene: ESCO2 (establishment of sister chromatid cohesion N-acetyltransferase 2; plus strand). Cytogenetic location: 8p21.1.
Variant type: single nucleotide variant.
Coding change: c.1497+1G>T on transcript NM_001017420.3 (MANE Select); the canonical splice donor site of the intron after coding-DNA position 1497, G replaced by T.
Molecular consequence: splice donor variant.
Genome position (GRCh38, 1-based): chr8:27,792,812, G>T. VCF-style: chr8-27792812-G-T. GRCh37 (hg19) VCF-style: chr8-27650329-G-T.
Identifiers: ClinVar variation 1473827 (VCV001473827.8), dbSNP rs2128956046, ClinGen allele CA370825846.